The following is an entry in ClinVar:

ClinVar aggregate classification (germline): Uncertain significance (1 of 4 stars; one submission).

Submission:

GeneDx
Classification: Uncertain significance. Last evaluated: 2024-01-09. Review status: criteria provided, single submitter. Criteria: GeneDx Variant Classification Process June 2021. Collection method: clinical testing. Allele origin: germline. Affected: yes.
Comment: Not observed at significant frequency in large population cohorts (gnomAD); In silico analysis supports a deleterious effect on splicing; Has not been previously published as pathogenic or benign to our knowledge

NM_001372044.2(SHANK3):c.2540+3A>G

Gene: SHANK3 (SH3 and multiple ankyrin repeat domains 3; plus strand). Cytogenetic location: 22q13.33.
Variant type: single nucleotide variant.
Coding change: c.2540+3A>G on transcript NM_001372044.2 (MANE Select); 3 bases into the intron after coding-DNA position 2540, A replaced by G.
Molecular consequence: intron variant.
Genome position (GRCh38, 1-based): chr22:50,715,756, A>G. VCF-style: chr22-50715756-A-G. GRCh37 (hg19) VCF-style: chr22-51154184-A-G.
Identifiers: ClinVar variation 3367497 (VCV003367497.1).
Genomic context (GRCh38, chr22:50,715,756, plus strand): 5'-GGCCCAGAGAAGCTGCCGGGCTCCTTGCGGAAGGGGATTCCACGGACCAAGTCTGTAGGT[A>G]TGGCTGCGCTGTGGGGCTGCATGGGGTGGGGAGGAACGGGGCTGGGGCCGGCAGGGTGGA-3'